The following is an entry in ClinVar:

ClinVar aggregate classification (germline): Uncertain significance. Review status: criteria provided, multiple submitters, no conflicts (2 of 4 stars). 5 submissions from 5 submitters: Uncertain significance (4). 1 of the submissions does not count toward it. Last evaluated 2025-07-02.

Conditions:
Familial cancer of breast. Also called: BREAST CANCER, FAMILIAL; hereditary breast carcinoma; Hereditary breast cancer. Identifiers: Orphanet 227535, MedGen C0346153, MONDO:0016419, OMIM 114480. Disease mechanism: loss of function.
Fanconi anemia complementation group D1. Also called: BRCA2-Related Fanconi Anemia. Identifiers: Orphanet 319462, MedGen C1838457, MONDO:0011584, OMIM 605724.
Medulloblastoma (MDB). Also called: Medulloblastoma, somatic; MEDULLOBLASTOMA PREDISPOSITION SYNDROME. Identifiers: Orphanet 616, MedGen C0025149, MeSH D008527, MONDO:0007959, OMIM 155255, HP:0002885.
Breast-ovarian cancer, familial, susceptibility to, 2 (BROVCA2). Also called: BRCA2 Hereditary Breast and Ovarian Cancer. Identifiers: Orphanet 145, MedGen C2675520, MONDO:0012933, OMIM 612555. Disease mechanism: loss of function.
Wilms tumor 1 (WT1). Also called: Wilms tumor, somatic. Identifiers: Orphanet 654, MedGen CN033288, MONDO:0008679, OMIM 194070.
Glioma susceptibility 3 (GLM3). Also called: Glioblastoma 3. Identifiers: Orphanet 182067, Orphanet 360, MedGen C2751641, MONDO:0013093, OMIM 613029.
Pancreatic cancer, susceptibility to, 2. Identifiers: Orphanet 1333, MedGen C3150546, MONDO:0013235, OMIM 613347.
Familial prostate cancer. Also called: Hereditary Prostate Cancer. Identifiers: MedGen C2931456, MONDO:0700275, OMIM 176807.
Hereditary cancer-predisposing syndrome. Also called: Neoplastic Syndromes, Hereditary; Hereditary neoplastic syndrome; Hereditary Cancer Syndrome; Tumor predisposition. Identifiers: Orphanet 140162, MedGen C0027672, MeSH D009386, MONDO:0015356.
Hereditary breast ovarian cancer syndrome. Also called: Breast and ovarian cancer; Hereditary breast and/or ovarian cancer syndrome; Hereditary breast and ovarian cancer syndrome; Hereditary breast and ovarian cancer syndrome (HBOC); Hereditary breast and ovarian cancer; BRCA1- and BRCA2-Associated Hereditary Breast and Ovarian Cancer. Identifiers: Orphanet 145, MedGen C0677776, MeSH D061325, MONDO:0003582. Disease mechanism: loss of function.

Allele frequency attached by ClinVar (database versions not stated): ExAC 0.00001; gnomAD 0.00001 and 0.00002; gnomAD exomes 0.00001.
gnomAD v4.1: 13 of 1,613,612 alleles (0.00081%); highest among the groups gnomAD compares: South Asian, 0.012%; no homozygotes.

Submissions (5):

Ambry Genetics
Classification: Uncertain significance for Hereditary cancer-predisposing syndrome. Last evaluated: 2025-07-02. Review status: criteria provided, single submitter. Criteria: Ambry Variant Classification Scheme 2023. Collection method: clinical testing. Allele origin: germline.
Comment: The p.S2358P variant (also known as c.7072T>C), located in coding exon 13 of the BRCA2 gene, results from a T to C substitution at nucleotide position 7072. The serine at codon 2358 is replaced by proline, an amino acid with similar properties. This amino acid position is well conserved in available vertebrate species. In addition, the in silico prediction for this alteration is inconclusive. Based on the available evidence, the clinical significance of this variant remains unclear.

Color Diagnostics, LLC DBA Color Health
Classification: Uncertain significance for Hereditary cancer-predisposing syndrome. Last evaluated: 2024-07-30. Review status: criteria provided, single submitter. Criteria: ACMG Guidelines, 2015. Collection method: clinical testing. Allele origin: germline.
Comment: This missense variant replaces serine with proline at codon 2358 of the BRCA2 protein. Computational prediction suggests that this variant may not impact protein structure and function. A functional study using Brca2-deficient mouse embryonic stem cells showed that this variant did not impact BRCA2 function in growth and sensitivity assays to cisplatin and PARP inhibitor (PMID: 37922907). Although this variant has been reported in an individual affected with breast or ovarian cancer (PMID: 32438681), this variant has a combined likelihood ratio (LR) of 0.463 calculated from the reported LRs based on co-occurrence with a pathogenic variant and personal and family history (PMID: 31131967, 31853058; Color internal data). This variant has been identified in 2/250952 chromosomes in the general population by the Genome Aggregation Database (gnomAD). The available evidence is insufficient to determine the role of this variant in disease conclusively. Therefore, this variant is classified as a Variant of Uncertain Significance.

Fulgent Genetics
Classification: Uncertain significance for Familial cancer of breast; Medulloblastoma; Familial prostate cancer; Wilms tumor 1; Fanconi anemia complementation group D1; Breast-ovarian cancer, familial, susceptibility to, 2; Glioma susceptibility 3; Pancreatic cancer, susceptibility to, 2. Last evaluated: 2024-05-29. Review status: criteria provided, single submitter. Criteria: ACMG Guidelines, 2015. Collection method: clinical testing. Allele origin: germline.

Labcorp Genetics (formerly Invitae), Labcorp
Classification: Uncertain significance for Hereditary breast ovarian cancer syndrome. Last evaluated: 2024-03-06. Review status: criteria provided, single submitter. Criteria: Invitae Variant Classification Sherloc (09022015). Collection method: clinical testing. Allele origin: germline.
Comment: This sequence change replaces serine, which is neutral and polar, with proline, which is neutral and non-polar, at codon 2358 of the BRCA2 protein (p.Ser2358Pro). This variant is present in population databases (rs80358937, gnomAD 0.003%). This missense change has been observed in individual(s) with breast and/or ovarian cancer (PMID: 32438681). ClinVar contains an entry for this variant (Variation ID: 126129). Advanced modeling of protein sequence and biophysical properties (such as structural, functional, and spatial information, amino acid conservation, physicochemical variation, residue mobility, and thermodynamic stability) performed at Invitae indicates that this missense variant is not expected to disrupt BRCA2 protein function with a negative predictive value of 95%. In summary, the available evidence is currently insufficient to determine the role of this variant in disease. Therefore, it has been classified as a Variant of Uncertain Significance.

Breast Cancer Information Core (BIC) (BRCA2)
Classification: Uncertain significance for Breast-ovarian cancer, familial 2. Last evaluated: 2003-12-23. Review status: no assertion criteria provided. Collection method: clinical testing. Allele origin: germline. Affected: yes. Observed: 1 variant allele. Not counted in ClinVar's aggregate classification.

Literature cited by the submitters: PubMed 32438681 (cited by 3 submitters); PubMed 31131967 (cited by Color Diagnostics, LLC DBA Color Health); PubMed 31853058 (cited by Color Diagnostics, LLC DBA Color Health); PubMed 37922907 (cited by Color Diagnostics, LLC DBA Color Health).

NM_000059.4(BRCA2):c.7072T>C (p.Ser2358Pro)

Gene: BRCA2 (BRCA2 DNA repair associated; plus strand). Cytogenetic location: 13q13.1.
Variant type: single nucleotide variant.
Coding change: c.7072T>C on transcript NM_000059.4 (MANE Select); coding-DNA position 7072, T replaced by C.
Protein change: p.Ser2358Pro; replaces serine 2358 with proline.
Molecular consequence: missense variant.
Genome position (GRCh38, 1-based): chr13:32,354,925, T>C. VCF-style: chr13-32354925-T-C. GRCh37 (hg19) VCF-style: chr13-32929062-T-C.
Other names: short protein forms S2358P.
Identifiers: ClinVar variation 126129 (VCV000126129.21), dbSNP rs80358937, ClinGen allele CA024838.